The following is an entry in ClinVar:

NM_000057.4(BLM):c.3640A>T (p.Met1214Leu)

Gene: BLM (BLM RecQ like helicase; plus strand). Cytogenetic location: 15q26.1.
Variant type: single nucleotide variant.
Coding change: c.3640A>T on transcript NM_000057.4 (MANE Select); coding-DNA position 3640, A replaced by T.
Protein change: p.Met1214Leu; replaces methionine 1214 with leucine.
Molecular consequence: missense variant. On other transcripts: intron variant (1).
Genome position (GRCh38, 1-based): chr15:90,804,248, A>T. VCF-style: chr15-90804248-A-T. GRCh37 (hg19) VCF-style: chr15-91347478-A-T.
Other names: c.3640A>T, p.Met1214Leu (NM_001287246.2); c.2515A>T, p.Met839Leu (NM_001287248.2); c.3359-4889A>T (NM_001287247.2); short protein forms M839L, M1214L.
Identifiers: ClinVar variation 1355787 (VCV001355787.6), dbSNP rs2151194887, ClinGen allele CA393848064.

ClinVar aggregate classification (germline): Uncertain significance (1 of 4 stars; one submission).

Conditions:
Bloom syndrome (BLM). Also called: Bloom-Torre-Machacek syndrome. Identifiers: Orphanet 125, MedGen C0005859, MONDO:0008876, OMIM 210900.

Submission:

Labcorp Genetics (formerly Invitae), Labcorp
Classification: Uncertain significance for Bloom syndrome. Last evaluated: 2021-07-26. Review status: criteria provided, single submitter. Criteria: Invitae Variant Classification Sherloc (09022015). Collection method: clinical testing. Allele origin: germline.
Comment: In summary, the available evidence is currently insufficient to determine the role of this variant in disease. Therefore, it has been classified as a Variant of Uncertain Significance. Algorithms developed to predict the effect of missense changes on protein structure and function output the following: SIFT: "Tolerated"; PolyPhen-2: "Benign"; Align-GVGD: "Class C0". The leucine amino acid residue is found in multiple mammalian species, which suggests that this missense change does not adversely affect protein function. This variant has not been reported in the literature in individuals affected with BLM-related conditions. This variant is not present in population databases (ExAC no frequency). This sequence change replaces methionine with leucine at codon 1214 of the BLM protein (p.Met1214Leu). The methionine residue is weakly conserved and there is a small physicochemical difference between methionine and leucine.